The following is an entry in ClinVar:

NM_002529.4(NTRK1):c.2002G>C (p.Asp668His)

Gene: NTRK1 (neurotrophic receptor tyrosine kinase 1; plus strand). Cytogenetic location: 1q23.1.
Variant type: single nucleotide variant.
Coding change: c.2002G>C on transcript NM_002529.4 (MANE Select); coding-DNA position 2002, G replaced by C.
Protein change: p.Asp668His; replaces aspartic acid 668 with histidine.
Molecular consequence: missense variant.
Genome position (GRCh38, 1-based): chr1:156,879,318, G>C. VCF-style: chr1-156879318-G-C. GRCh37 (hg19) VCF-style: chr1-156849110-G-C.
Other names: c.1894G>C, p.Asp632His (NM_001007792.1); c.1984G>C, p.Asp662His (NM_001012331.2); short protein forms D632H, D662H, D668H.
Identifiers: ClinVar variation 4852847 (VCV004852847.1).

ClinVar aggregate classification (germline): Uncertain significance (1 of 4 stars; one submission).

Conditions:
Hereditary insensitivity to pain with anhidrosis (CIPA). Also called: INSENSITIVITY TO PAIN, CONGENITAL, WITH ANHIDROSIS; FAMILIAL DYSAUTONOMIA, TYPE II; NEUROPATHY, CONGENITAL SENSORY, WITH ANHIDROSIS; HSAN Type IV; hereditary sensory and autonomic neuropathy type 4; NTRK1 Congenital Insensitivity to Pain with Anhidrosis. Identifiers: Orphanet 642, MedGen C0020074, MONDO:0009746, OMIM 256800.

Submission:

Medical Molecular Genetics, National Research Centre
Classification: Uncertain significance for Hereditary insensitivity to pain with anhidrosis. Last evaluated: 2026-04-28. Review status: criteria provided, single submitter. Criteria: ACMG Guidelines, 2015. Collection method: research. Allele origin: inherited. Affected: yes.
Comment: The p.(Asp668His) variant results in the substitution of aspartic acid by histidine at codon 668 within the tyrosine kinase domain of NTRK1. This amino acid change may impair kinase activity.